The following is an entry in ClinVar:

ClinVar aggregate classification (germline): Uncertain significance. Review status: criteria provided, multiple submitters, no conflicts (2 of 4 stars). 2 submissions from 2 submitters: Uncertain significance (2). Last evaluated 2025-10-26.

Conditions:
Glutathione synthetase deficiency with 5-oxoprolinuria. Also called: PYROGLUTAMIC ACIDURIA; 5-Oxoprolinuria; Gluthathione synthetase deficiency; 5-OXOPROLINURIA DUE TO GLUTATHIONE SYNTHETASE DEFICIENCY; Reduced glutathione synthetase level. Identifiers: Orphanet 289846, MedGen C0398746, MONDO:0009947, OMIM 266130, HP:0003343.

Allele frequency attached by ClinVar (database versions not stated): ExAC 0.00004; gnomAD 0.00007; TOPMed 0.00008; ESP Exome Variant Server 0.00031; gnomAD exomes 0.00041.

Submissions (2):

Labcorp Genetics (formerly Invitae), Labcorp
Classification: Uncertain significance for Glutathione synthetase deficiency with 5-oxoprolinuria. Last evaluated: 2025-10-26. Review status: criteria provided, single submitter. Criteria: Invitae Variant Classification Sherloc (09022015). Collection method: clinical testing. Allele origin: germline.
Comment: This sequence change replaces arginine, which is basic and polar, with serine, which is neutral and polar, at codon 215 of the GSS protein (p.Arg215Ser). This variant is present in population databases (rs201069127, gnomAD 0.01%). This variant has not been reported in the literature in individuals affected with GSS-related conditions. ClinVar contains an entry for this variant (Variation ID: 2689178). Invitae Evidence Modeling of protein sequence and biophysical properties (such as structural, functional, and spatial information, amino acid conservation, physicochemical variation, residue mobility, and thermodynamic stability) indicates that this missense variant is not expected to disrupt GSS protein function with a negative predictive value of 80%. In summary, the available evidence is currently insufficient to determine the role of this variant in disease. Therefore, it has been classified as a Variant of Uncertain Significance.

Revvity Omics, Revvity
Classification: Uncertain significance. Last evaluated: 2024-12-19. Review status: criteria provided, single submitter. Criteria: ACMG Guidelines, 2015. Collection method: clinical testing. Allele origin: germline.

NM_000178.4(GSS):c.645A>C (p.Arg215Ser)

Gene: GSS (glutathione synthetase; minus strand). Cytogenetic location: 20q11.22.
Variant type: single nucleotide variant.
Coding change: c.645A>C on transcript NM_000178.4 (MANE Select); coding-DNA position 645, A replaced by C.
Protein change: p.Arg215Ser; replaces arginine 215 with serine.
Molecular consequence: missense variant.
Genome position (GRCh38, 1-based): chr20:34,936,987, T>G on the plus strand (A>C on the coding strand, the complement: GSS is on the minus strand). VCF-style: chr20-34936987-T-G. GRCh37 (hg19) VCF-style: chr20-33524790-T-G.
Other names: c.645A>C, p.Arg215Ser (NM_001322494.1, NM_001322495.1); short protein forms R215S.
Identifiers: ClinVar variation 2689178 (VCV002689178.3), dbSNP rs201069127, ClinGen allele CA9826010.
Genomic context (GRCh38, chr20:34,936,987, plus strand): 5'-CCCTTCCTTTACTTACCTGGCCAGTAGCTCATTCTCTATGGCACGCTGGTCAAATATGTT[T>G]CTTTCCTTCTCTTGAGCAATCAGTAGCACCAGAGCACTGGGGAAAGAGCACAGGTGGCCC-3'
Protein context (NP_000169.1, residues 205-225): LVLLIAQEKE[Arg215Ser]NIFDQRAIEN